The following is an entry in ClinVar:

ClinVar aggregate classification (germline): Conflicting classifications of pathogenicity. Review status: criteria provided, conflicting classifications (1 of 4 stars). 2 submissions from 2 submitters: Uncertain significance (1); Likely benign (1). Last evaluated 2025-03-10.

Conditions:
Congenital contractural arachnodactyly (CCA). Also called: BEALS SYNDROME; Beals-Hecht syndrome; Arthrogryposis, distal, type 9. Identifiers: Orphanet 115, MedGen C0220668, MONDO:0007363, OMIM 121050.

Allele frequency attached by ClinVar (database versions not stated): gnomAD exomes 0.00001; TOPMed 0.00002.
gnomAD v4.1: 23 of 1,613,956 alleles (0.0014%); highest among the groups gnomAD compares: Admixed American, 0.0033%; no homozygotes.

Submissions (2):

Labcorp Genetics (formerly Invitae), Labcorp
Classification: Likely benign for Congenital contractural arachnodactyly. Last evaluated: 2025-03-10. Review status: criteria provided, single submitter. Criteria: Invitae Variant Classification Sherloc (09022015). Collection method: clinical testing. Allele origin: germline.

GeneDx
Classification: Uncertain significance. Last evaluated: 2019-07-11. Review status: criteria provided, single submitter. Criteria: GeneDx Variant Classification Process June 2021. Collection method: clinical testing. Allele origin: germline. Affected: yes.
Comment: Has not been previously published as pathogenic or benign to our knowledge; Identified in probands referred for connective tissue disorder genetic testing at GeneDx; Not observed at a significant frequency in large population cohorts (Lek et al., 2016); In silico analysis, which includes splice predictors and evolutionary conservation, suggests this variant may impact gene splicing; however, in the absence of RNA/functional studies, the actual effect of this sequence change is unknown

NM_001999.4(FBN2):c.5549-8T>A

Gene: FBN2 (fibrillin 2; minus strand). Cytogenetic location: 5q23.3.
Variant type: single nucleotide variant.
Coding change: c.5549-8T>A on transcript NM_001999.4 (MANE Select); 8 bases into the intron before coding-DNA position 5549, T replaced by A.
Molecular consequence: intron variant.
Genome position (GRCh38, 1-based): chr5:128,305,644, A>T on the plus strand (T>A on the coding strand, the complement: FBN2 is on the minus strand). VCF-style: chr5-128305644-A-T. GRCh37 (hg19) VCF-style: chr5-127641336-A-T.
Identifiers: ClinVar variation 850930 (VCV000850930.12), dbSNP rs1339062362, ClinGen allele CA563056167.
Genomic context (GRCh38, chr5:128,305,644, plus strand): 5'-GCAGTCTGCATTCCGCTGGCAGAGATTATCACCATTGCTGCACTCATCTATATCTGAAAG[A>T]GCAACAATTCCATTTTAAAGAGTCCTTTTTAGTATTGTATTAGCATTACATTCACGTCAC-3'